The following is an entry in ClinVar:

NM_017534.6(MYH2):c.380A>G (p.Asn127Ser)

Genes: MYH2 (myosin heavy chain 2; minus strand), MYHAS (myosin heavy chain gene cluster antisense RNA; plus strand). Cytogenetic location: 17p13.1.
Variant type: single nucleotide variant.
Coding change: c.380A>G on transcript NM_017534.6 (MANE Select); coding-DNA position 380, A replaced by G.
Protein change: p.Asn127Ser; replaces asparagine 127 with serine.
Molecular consequence: missense variant.
Genome position (GRCh38, 1-based): chr17:10,545,471, T>C on the plus strand (A>G on the coding strand, the complement: MYH2 is on the minus strand). VCF-style: chr17-10545471-T-C. GRCh37 (hg19) VCF-style: chr17-10448788-T-C.
Other names: c.380A>G, p.Asn127Ser (NM_001100112.2); c.380A>G (NM_017534.5); short protein forms N127S.
Identifiers: ClinVar variation 2689491 (VCV002689491.5), dbSNP rs748961733, ClinGen allele CA8391654.
Genomic context (GRCh38, chr17:10,545,471, plus strand): 5'-TTTTTGCCTCGGTAGGCTGTCACCACCTCGGGCTTATACACAGGCAGCCACTTGTAGGGG[T>C]TGACAGTGACACAGAAGAGACCTGAATAGGTCTATGAGAAGGAAAAAGAATAAGTACCCA-3'
Protein context (NP_060004.3, residues 117-137): TYSGLFCVTV[Asn127Ser]PYKWLPVYKP

ClinVar aggregate classification (germline): Uncertain significance. Review status: criteria provided, multiple submitters, no conflicts (2 of 4 stars). 3 submissions from 3 submitters: Uncertain significance (3). Last evaluated 2025-08-25.

Conditions:
Inborn genetic diseases. Identifiers: MedGen C0950123, MeSH D030342.
Myopathy, proximal, and ophthalmoplegia (CMYO6). Also called: CONGENITAL MYOPATHY 6 WITH OPHTHALMOPLEGIA; MYOPATHY WITH CONGENITAL JOINT CONTRACTURES, OPHTHALMOPLEGIA, AND RIMMED VACUOLES; INCLUSION BODY MYOPATHY 3, AUTOSOMAL DOMINANT. Identifiers: Orphanet 363677, Orphanet 79091, MedGen C1854106, MONDO:0011577, OMIM 605637.

Allele frequency attached by ClinVar (database versions not stated): gnomAD exomes below 0.00001; ExAC 0.00001; TOPMed 0.00001.
gnomAD v4.1: 1 of 1,614,016 alleles (0.000062%); highest among the groups gnomAD compares: Admixed American, 0.0017%; no homozygotes.

Submissions (3):

Ambry Genetics
Classification: Uncertain significance for Inborn genetic diseases. Last evaluated: 2025-08-25. Review status: criteria provided, single submitter. Criteria: Ambry Variant Classification Scheme 2023. Collection method: clinical testing. Allele origin: germline.

Labcorp Genetics (formerly Invitae), Labcorp
Classification: Uncertain significance for Myopathy, proximal, and ophthalmoplegia. Last evaluated: 2024-08-17. Review status: criteria provided, single submitter. Criteria: Invitae Variant Classification Sherloc (09022015). Collection method: clinical testing. Allele origin: germline.
Comment: This sequence change replaces asparagine, which is neutral and polar, with serine, which is neutral and polar, at codon 127 of the MYH2 protein (p.Asn127Ser). This variant is present in population databases (rs748961733, gnomAD 0.003%). This variant has not been reported in the literature in individuals affected with MYH2-related conditions. Invitae Evidence Modeling of protein sequence and biophysical properties (such as structural, functional, and spatial information, amino acid conservation, physicochemical variation, residue mobility, and thermodynamic stability) indicates that this missense variant is expected to disrupt MYH2 protein function with a positive predictive value of 80%. In summary, the available evidence is currently insufficient to determine the role of this variant in disease. Therefore, it has been classified as a Variant of Uncertain Significance.

Revvity Omics, Revvity
Classification: Uncertain significance for Myopathy, proximal, and ophthalmoplegia. Last evaluated: 2023-01-18. Review status: criteria provided, single submitter. Criteria: ACMG Guidelines, 2015. Collection method: clinical testing. Allele origin: germline.